The following is an entry in ClinVar:

NM_000525.4(KCNJ11):c.1105C>T (p.Arg369Cys)

Gene: KCNJ11 (potassium inwardly rectifying channel subfamily J member 11; minus strand). Cytogenetic location: 11p15.1.
Variant type: single nucleotide variant.
Coding change: c.1105C>T on transcript NM_000525.4 (MANE Select); coding-DNA position 1105, C replaced by T.
Protein change: p.Arg369Cys; replaces arginine 369 with cysteine.
Molecular consequence: missense variant.
Genome position (GRCh38, 1-based): chr11:17,386,987, G>A on the plus strand (C>T on the coding strand, the complement: KCNJ11 is on the minus strand). VCF-style: chr11-17386987-G-A. GRCh37 (hg19) VCF-style: chr11-17408534-G-A.
Other names: c.844C>T, p.Arg282Cys (NM_001166290.2, NM_001377296.1, NM_001377297.1); short protein forms R282C, R369C.
Identifiers: ClinVar variation 992024 (VCV000992024.2), dbSNP rs371275937, ClinGen allele CA5902181.
Genomic context (GRCh38, chr11:17,386,987, plus strand): 5'-GGGAATCTGGAGAGATGCTGAACTTGGGCTTGGCCTTGGCCATGGGCACGCTGCGCTTGC[G>A]CAGGGGCCCGCGGGCTGAGGCGAGGGTCAGAGCTTCCAGTAGGCTGTGGTCCTCATCAAG-3'
Protein context (NP_000516.3, residues 359-379): LTLASARGPL[Arg369Cys]KRSVPMAKAK

ClinVar aggregate classification (germline): Uncertain significance. Review status: criteria provided, single submitter (1 of 4 stars). 2 submissions from 2 submitters: Uncertain significance (1). 1 of the submissions does not count toward it.

Conditions:
Permanent neonatal diabetes mellitus (PNDM). Identifiers: Orphanet 99885, MedGen C1833104, MONDO:0100164, MONDO:0011643. Disease mechanism: gain of function.
Maturity-onset diabetes of the young (MODY). Also called: Maturity onset diabetes mellitus in young. Identifiers: Orphanet 552, MedGen C0342276, MONDO:0018911, HP:0004904.

Allele frequency attached by ClinVar (database versions not stated): gnomAD 0.00001; TOPMed 0.00001; 1000 Genomes Project 30x 0.00016; 1000 Genomes Project 0.00020.

Submissions (2):

Clinical Genomics, Uppaluri K&H Personalized Medicine Clinic
Classification: Uncertain significance for Maturity-onset diabetes of the young. Review status: criteria provided, single submitter. Criteria: K&H Uppaluri Personalized Medicine Clinic Variant Classification & Assertion Criteria. Collection method: research. Allele origin: somatic. Inheritance: Autosomal dominant inheritance.
Comment: Mutations in KCNJ11 gene can generally predispose to decreased production and secretion of insulin. This can lead to MODY which is responsive to oral sulfonylureas. However, no sufficient evidence is found to ascertain the role of rs371275937 variant in Diabetes Mellitus yet

Natera, Inc.
Classification: Uncertain significance for Permanent neonatal diabetes mellitus. Last evaluated: 2020-10-20. Review status: no assertion criteria provided. Collection method: clinical testing. Allele origin: germline. Not counted in ClinVar's aggregate classification.

Literature cited by the submitters: PubMed 22512215 (cited by Clinical Genomics, Uppaluri K&H Personalized Medicine Clinic); PubMed 32027066 (cited by Clinical Genomics, Uppaluri K&H Personalized Medicine Clinic).